The following is an entry in ClinVar:

NM_002775.5(HTRA1):c.879C>A (p.Thr293=)

Gene: HTRA1 (HtrA serine peptidase 1; plus strand). Cytogenetic location: 10q26.13.
Variant type: single nucleotide variant.
Coding change: c.879C>A on transcript NM_002775.5 (MANE Select); coding-DNA position 879, C replaced by A.
Protein change: p.Thr293=; no amino-acid change (threonine 293 retained).
Molecular consequence: synonymous variant.
Genome position (GRCh38, 1-based): chr10:122,506,792, C>A. VCF-style: chr10-122506792-C-A. GRCh37 (hg19) VCF-style: chr10-124266308-C-A.
Identifiers: ClinVar variation 1928208 (VCV001928208.29), dbSNP rs149294320, ClinGen allele CA471666877.

ClinVar aggregate classification (germline): Conflicting classifications of pathogenicity. Review status: criteria provided, conflicting classifications (1 of 4 stars). 2 submissions from 2 submitters: Uncertain significance (1); Likely benign (1). Last evaluated 2023-12-28.

gnomAD v4.1: 4 of 1,613,772 alleles (0.00025%); highest among the groups gnomAD compares: Non-Finnish European, 0.00025%; no homozygotes.

Submissions (2):

Labcorp Genetics (formerly Invitae), Labcorp
Classification: Likely benign. Last evaluated: 2023-12-28. Review status: criteria provided, single submitter. Criteria: Invitae Variant Classification Sherloc (09022015). Collection method: clinical testing. Allele origin: germline.

CeGaT Center for Human Genetics Tuebingen
Classification: Uncertain significance. Last evaluated: 2022-08-01. Review status: criteria provided, single submitter. Criteria: CeGaT Center For Human Genetics Tuebingen Variant Classification Criteria Version 2. Collection method: clinical testing. Allele origin: germline. Affected: yes. Observed: 1 variant allele.
Comment: HTRA1: PM2, BP4